The following is an entry in ClinVar:

NM_001143809.2(BDNF):c.53G>A (p.Gly18Glu)

Gene: BDNF (brain derived neurotrophic factor; minus strand). Cytogenetic location: 11p14.1.
Variant type: single nucleotide variant.
Coding change: c.53G>A on transcript NM_001143809.2; coding-DNA position 53, G replaced by A.
Protein change: p.Gly18Glu; replaces glycine 18 with glutamic acid.
Molecular consequence: missense variant. On other transcripts: 5 prime UTR variant (3), intron variant (6).
Genome position (GRCh38, 1-based): chr11:27,700,984, C>T on the plus strand (G>A on the coding strand, the complement: BDNF is on the minus strand). VCF-style: chr11-27700984-C-T. GRCh37 (hg19) VCF-style: chr11-27722531-C-T.
Other names: c.-25G>A (NM_001143808.2); c.-72G>A (NM_001143810.2); c.-435G>A (NM_001143811.2); c.3+20428G>A (NM_170731.5); c.-22+19660G>A (NM_001143805.1); c.-22+19445G>A (NM_001143806.1); c.-22+19362G>A (NM_170732.4); c.-22+18527G>A (NM_001143807.2); and 1 more; short protein forms G18E.
Identifiers: ClinVar variation 3352315 (VCV003352315.1).

ClinVar aggregate classification (germline): Uncertain significance (0 of 4 stars; one submission).

Conditions:
BDNF-related disorder. Also called: BDNF-related condition.

Submission:

PreventionGenetics, part of Exact Sciences
Classification: Uncertain significance for BDNF-related condition. Last evaluated: 2024-05-02. Review status: no assertion criteria provided. Collection method: clinical testing. Allele origin: germline.
Comment: The BDNF c.53G>A variant is predicted to result in the amino acid substitution p.Gly18Glu. To our knowledge, this variant has not been reported in the literature or in a large population database, indicating this variant is rare. At this time, the clinical significance of this variant is uncertain due to the absence of conclusive functional and genetic evidence.